The following is an entry in ClinVar:

NM_177438.3(DICER1):c.2717G>A (p.Arg906His)

Gene: DICER1 (dicer 1, ribonuclease III; minus strand). Cytogenetic location: 14q32.13.
Variant type: single nucleotide variant.
Coding change: c.2717G>A on transcript NM_177438.3 (MANE Select); coding-DNA position 2717, G replaced by A.
Protein change: p.Arg906His; replaces arginine 906 with histidine.
Molecular consequence: missense variant.
Genome position (GRCh38, 1-based): chr14:95,107,695, C>T on the plus strand (G>A on the coding strand, the complement: DICER1 is on the minus strand). VCF-style: chr14-95107695-C-T. GRCh37 (hg19) VCF-style: chr14-95574032-C-T.
Other names: c.2717G>A, p.Arg906His (NM_001195573.1, NM_001271282.3, NM_001291628.2 and 1 more transcripts); short protein forms R906H.
Identifiers: ClinVar variation 242069 (VCV000242069.16), dbSNP rs150510758, ClinGen allele CA10583208.

ClinVar aggregate classification (germline): Uncertain significance. Review status: criteria provided, multiple submitters, no conflicts (2 of 4 stars). 3 submissions from 3 submitters: Uncertain significance (3). Last evaluated 2025-12-02.

Conditions:
DICER1-related tumor predisposition. Also called: DICER1 syndrome; DICER1-related pleuropulmonary blastoma cancer predisposition syndrome. Identifiers: Orphanet 284343, MedGen C3839822, MONDO:0100216.
Hereditary cancer-predisposing syndrome. Also called: Neoplastic Syndromes, Hereditary; Tumor predisposition; Hereditary neoplastic syndrome; Hereditary Cancer Syndrome. Identifiers: Orphanet 140162, MedGen C0027672, MeSH D009386, MONDO:0015356.

Allele frequency attached by ClinVar (database versions not stated): gnomAD exomes below 0.00001; TOPMed 0.00001; ESP Exome Variant Server 0.00008.
gnomAD v4.1: 9 of 1,613,556 alleles (0.00056%); highest among the groups gnomAD compares: Non-Finnish European, 0.00059%; no homozygotes.

Submissions (3):

Ambry Genetics
Classification: Uncertain significance for Hereditary cancer-predisposing syndrome. Last evaluated: 2025-12-02. Review status: criteria provided, single submitter. Criteria: Ambry Variant Classification Scheme 2023. Collection method: clinical testing. Allele origin: germline.
Comment: The p.R906H variant (also known as c.2717G>A), located in coding exon 16 of the DICER1 gene, results from a G to A substitution at nucleotide position 2717. The arginine at codon 906 is replaced by histidine, an amino acid with highly similar properties. This amino acid position is highly conserved in available vertebrate species. In addition, this alteration is predicted to be tolerated by in silico analysis. Since supporting evidence is limited at this time, the clinical significance of this alteration remains unclear.

Labcorp Genetics (formerly Invitae), Labcorp
Classification: Uncertain significance for DICER1-related tumor predisposition. Last evaluated: 2025-11-24. Review status: criteria provided, single submitter. Criteria: Invitae Variant Classification Sherloc (09022015). Collection method: clinical testing. Allele origin: germline.
Comment: This sequence change replaces arginine, which is basic and polar, with histidine, which is basic and polar, at codon 906 of the DICER1 protein (p.Arg906His). This variant is present in population databases (rs150510758, gnomAD 0.0009%). This variant has not been reported in the literature in individuals affected with DICER1-related conditions. ClinVar contains an entry for this variant (Variation ID: 242069). Invitae Evidence Modeling of protein sequence and biophysical properties (such as structural, functional, and spatial information, amino acid conservation, physicochemical variation, residue mobility, and thermodynamic stability) indicates that this missense variant is not expected to disrupt DICER1 protein function with a negative predictive value of 95%. In summary, the available evidence is currently insufficient to determine the role of this variant in disease. Therefore, it has been classified as a Variant of Uncertain Significance.

GeneDx
Classification: Uncertain significance. Last evaluated: 2023-07-06. Review status: criteria provided, single submitter. Criteria: GeneDx Variant Classification Process June 2021. Collection method: clinical testing. Allele origin: germline. Affected: yes.
Comment: Not observed at significant frequency in large population cohorts (gnomAD); In silico analysis supports that this missense variant does not alter protein structure/function; Has not been previously published as pathogenic or benign to our knowledge